The following is an entry in ClinVar:

NM_022437.3(ABCG8):c.1762G>C (p.Ala588Pro)

Gene: ABCG8 (ATP binding cassette subfamily G member 8; plus strand). Cytogenetic location: 2p21.
Variant type: single nucleotide variant.
Coding change: c.1762G>C on transcript NM_022437.3 (MANE Select); coding-DNA position 1762, G replaced by C.
Protein change: p.Ala588Pro; replaces alanine 588 with proline.
Molecular consequence: missense variant.
Genome position (GRCh38, 1-based): chr2:43,877,566, G>C. VCF-style: chr2-43877566-G-C. GRCh37 (hg19) VCF-style: chr2-44104705-G-C.
Other names: c.1759G>C, p.Ala587Pro (NM_001357321.2); short protein forms A587P, A588P.
Identifiers: ClinVar variation 1779611 (VCV001779611.3), dbSNP rs748833010, ClinGen allele CA1637659.

ClinVar aggregate classification (germline): Uncertain significance. Review status: criteria provided, multiple submitters, no conflicts (2 of 4 stars). 2 submissions from 2 submitters: Uncertain significance (2). Last evaluated 2024-03-19.

Conditions:
Cardiovascular phenotype. Identifiers: MedGen CN230736.

gnomAD v4.1: 2 of 1,613,902 alleles (0.00012%); highest among the groups gnomAD compares: South Asian, 0.0011%; no homozygotes.

Submissions (2):

Blueprint Genetics
Classification: Uncertain significance. Last evaluated: 2024-03-19. Review status: criteria provided, single submitter. Criteria: ACMG Guidelines, 2015. Collection method: clinical testing. Allele origin: germline.

Ambry Genetics
Classification: Uncertain significance for Cardiovascular phenotype. Last evaluated: 2020-08-31. Review status: criteria provided, single submitter. Criteria: Ambry Variant Classification Scheme 2023. Collection method: clinical testing. Allele origin: germline.
Comment: The p.A588P variant (also known as c.1762G>C), located in coding exon 12 of the ABCG8 gene, results from a G to C substitution at nucleotide position 1762. The alanine at codon 588 is replaced by proline, an amino acid with highly similar properties. This amino acid position is poorly conserved in available vertebrate species. In addition, this alteration is predicted to be tolerated by in silico analysis. Since supporting evidence is limited at this time, the clinical significance of this alteration remains unclear.